The following is an entry in ClinVar:

NM_145199.3(LIPT1):c.971G>A (p.Arg324His)

Genes: LIPT1 (lipoyltransferase 1; plus strand), MITD1 (microtubule interacting and trafficking domain containing 1; minus strand). Cytogenetic location: 2q11.2.
Variant type: single nucleotide variant.
Coding change: c.971G>A on transcript NM_145199.3 (MANE Select); coding-DNA position 971, G replaced by A.
Protein change: p.Arg324His; replaces arginine 324 with histidine.
Molecular consequence: missense variant. On other transcripts: non-coding transcript variant (2).
Genome position (GRCh38, 1-based): chr2:99,162,928, G>A. VCF-style: chr2-99162928-G-A. GRCh37 (hg19) VCF-style: chr2-99779391-G-A.
Other names: c.971G>A, p.Arg324His (NM_001204830.2, NM_015929.4, NM_145197.3 and 1 more transcripts); short protein forms R324H.
Identifiers: ClinVar variation 3681902 (VCV003681902.2).

ClinVar aggregate classification (germline): Uncertain significance (1 of 4 stars; one submission).

gnomAD v4.1: 7 of 1,613,558 alleles (0.00043%); highest among the groups gnomAD compares: South Asian, 0.0033%; no homozygotes.

Submission:

Labcorp Genetics (formerly Invitae), Labcorp
Classification: Uncertain significance. Last evaluated: 2024-10-29. Review status: criteria provided, single submitter. Criteria: Invitae Variant Classification Sherloc (09022015). Collection method: clinical testing. Allele origin: germline.
Comment: This sequence change replaces arginine, which is basic and polar, with histidine, which is basic and polar, at codon 324 of the LIPT1 protein (p.Arg324His). This variant is present in population databases (rs201441847, gnomAD 0.007%). This variant has not been reported in the literature in individuals affected with LIPT1-related conditions. Invitae Evidence Modeling of protein sequence and biophysical properties (such as structural, functional, and spatial information, amino acid conservation, physicochemical variation, residue mobility, and thermodynamic stability) indicates that this missense variant is not expected to disrupt LIPT1 protein function with a negative predictive value of 80%. In summary, the available evidence is currently insufficient to determine the role of this variant in disease. Therefore, it has been classified as a Variant of Uncertain Significance.